The following is an entry in ClinVar:

ClinVar aggregate classification (germline): Uncertain significance (1 of 4 stars; one submission).

Conditions:
Central core myopathy (CMYO1A). Also called: Central core disease; Myopathy, central fibrillar; CONGENITAL MYOPATHY 1A, AUTOSOMAL DOMINANT, WITH SUSCEPTIBILITY TO MALIGNANT HYPERTHERMIA. Identifiers: Orphanet 597, MedGen C5830701, MONDO:0007294, OMIM 117000.
Congenital multicore myopathy with external ophthalmoplegia (CMYO1B). Also called: MULTICORE MYOPATHY; MULTIMINICORE DISEASE WITH EXTERNAL OPHTHALMOPLEGIA; Congenital myopathy 1B, autosomal recessive; Minicore myopathy; Minicore myopathy with external ophthalmoplegia. Identifiers: Orphanet 598, Orphanet 98905, MedGen C1850674, MONDO:0009712, OMIM 255320, HP:0003789.
Malignant hyperthermia, susceptibility to, 1 (MHS1). Also called: Malignant hyperthermia suceptibility 1; Anesthesia related hyperthermia; Malignant hyperpyrexia; Fulminating hyperpyrexia; Pharmacogenic myopathy; RYR1-Related Malignant Hyperthermia Susceptibility. Identifiers: Orphanet 423, MedGen C2930980, MONDO:0007783, OMIM 145600.
King Denborough syndrome (KDS). Identifiers: MedGen C1840365, MONDO:0020485, OMIM 619542.

Submission:

Juno Genomics, Hangzhou Juno Genomics, Inc
Classification: Uncertain significance for Congenital multicore myopathy with external ophthalmoplegia; Central core myopathy; Malignant hyperthermia, susceptibility to, 1; King Denborough syndrome. Review status: criteria provided, single submitter. Criteria: ACMG Guidelines, 2015. Collection method: clinical testing. Allele origin: germline.
Comment: Absent from controls (or at extremely low frequency if recessive) in Genome Aggregation Database.;Missense variant in a gene that has a low rate of benign missense variation.

NM_000540.3(RYR1):c.4954C>A (p.Leu1652Met)

Gene: RYR1 (ryanodine receptor 1; plus strand). Cytogenetic location: 19q13.2.
Variant type: single nucleotide variant.
Coding change: c.4954C>A on transcript NM_000540.3 (MANE Select); coding-DNA position 4954, C replaced by A.
Protein change: p.Leu1652Met; replaces leucine 1652 with methionine.
Molecular consequence: missense variant.
Genome position (GRCh38, 1-based): chr19:38,485,609, C>A. VCF-style: chr19-38485609-C-A. GRCh37 (hg19) VCF-style: chr19-38976249-C-A.
Other names: c.4954C>A, p.Leu1652Met (NM_001042723.2); short protein forms L1652M.
Identifiers: ClinVar variation 5019231 (VCV005019231.2).
Genomic context (GRCh38, chr19:38,485,609, plus strand): 5'-CTCATTCATCTGTCCCTGTCTGTTTCCCACCTCTGCTGCAGGTGCATGGACATCCTGGAG[C>A]TGTCGGAGCGCCTGGACCTGCAGCGCTTCCACTCGCACACCCTGCGCCTCTACCGCGCTG-3'
Protein context (NP_000531.2, residues 1642-1662): EENRCMDILE[Leu1652Met]SERLDLQRFH